The following is an entry in ClinVar:

ClinVar aggregate classification (germline): Uncertain significance. Review status: criteria provided, multiple submitters, no conflicts (2 of 4 stars). 2 submissions from 2 submitters: Uncertain significance (2). Last evaluated 2024-11-10.

Conditions:
Inborn genetic diseases. Identifiers: MedGen C0950123, MeSH D030342.
Pityriasis rubra pilaris (PRP). Also called: Pityriasis rubra pilaris--familial type. Identifiers: Orphanet 2897, MedGen C0032027, MONDO:0100017, OMIM 173200, MONDO:0008251.
Psoriasis 2. Identifiers: MedGen C1864497, MONDO:0011269, OMIM 602723.

gnomAD v4.1: 3 of 1,613,738 alleles (0.00019%); highest among the groups gnomAD compares: Non-Finnish European, 0.00025%; no homozygotes.

Submissions (2):

Ambry Genetics
Classification: Uncertain significance for Inborn genetic diseases. Last evaluated: 2024-11-10. Review status: criteria provided, single submitter. Criteria: Ambry Variant Classification Scheme 2023. Collection method: clinical testing. Allele origin: germline.

Labcorp Genetics (formerly Invitae), Labcorp
Classification: Uncertain significance for Pityriasis rubra pilaris; Psoriasis 2. Last evaluated: 2024-01-15. Review status: criteria provided, single submitter. Criteria: Invitae Variant Classification Sherloc (09022015). Collection method: clinical testing. Allele origin: germline.
Comment: This sequence change replaces glutamic acid, which is acidic and polar, with glutamine, which is neutral and polar, at codon 391 of the CARD14 protein (p.Glu391Gln). This variant is present in population databases (rs369150206, gnomAD 0.0009%). This variant has not been reported in the literature in individuals affected with CARD14-related conditions. ClinVar contains an entry for this variant (Variation ID: 1968003). Advanced modeling of protein sequence and biophysical properties (such as structural, functional, and spatial information, amino acid conservation, physicochemical variation, residue mobility, and thermodynamic stability) performed at Invitae indicates that this missense variant is expected to disrupt CARD14 protein function with a positive predictive value of 80%. In summary, the available evidence is currently insufficient to determine the role of this variant in disease. Therefore, it has been classified as a Variant of Uncertain Significance.

NM_001366385.1(CARD14):c.1171G>C (p.Glu391Gln)

Gene: CARD14 (caspase recruitment domain family member 14; plus strand). Cytogenetic location: 17q25.3.
Variant type: single nucleotide variant.
Coding change: c.1171G>C on transcript NM_001366385.1 (MANE Select); coding-DNA position 1171, G replaced by C.
Protein change: p.Glu391Gln; replaces glutamic acid 391 with glutamine.
Molecular consequence: missense variant. On other transcripts: non-coding transcript variant (1).
Genome position (GRCh38, 1-based): chr17:80,191,404, G>C. VCF-style: chr17-80191404-G-C. GRCh37 (hg19) VCF-style: chr17-78165203-G-C.
Other names: c.1171G>C (NM_024110.3); c.1171G>C, p.Glu391Gln (NM_001257970.1, NM_024110.4); c.460G>C, p.Glu154Gln (NM_052819.3); short protein forms E154Q, E391Q.
Identifiers: ClinVar variation 1968003 (VCV001968003.6), dbSNP rs369150206, ClinGen allele CA8816696.